The following is an entry in ClinVar:

ClinVar aggregate classification (germline): Uncertain significance (1 of 4 stars; one submission).

Submission:

GeneDx
Classification: Uncertain significance. Last evaluated: 2019-08-28. Review status: criteria provided, single submitter. Criteria: GeneDx Variant Classification Process June 2021. Collection method: clinical testing. Allele origin: germline. Affected: yes.
Comment: Not observed in large population cohorts (Lek et al., 2016); In silico analysis, which includes protein predictors and evolutionary conservation, supports that this variant does not alter protein structure/function; Has not been previously published as pathogenic or benign to our knowledge

NM_002240.5(KCNJ6):c.139G>A (p.Asp47Asn)

Genes: KCNJ6 (potassium inwardly rectifying channel subfamily J member 6; minus strand), KCNJ6-AS1 (KCNJ6 antisense RNA 1; plus strand). Cytogenetic location: 21q22.13.
Variant type: single nucleotide variant.
Coding change: c.139G>A on transcript NM_002240.5 (MANE Select); coding-DNA position 139, G replaced by A.
Protein change: p.Asp47Asn; replaces aspartic acid 47 with asparagine.
Molecular consequence: missense variant.
Genome position (GRCh38, 1-based): chr21:37,715,018, C>T on the plus strand (G>A on the coding strand, the complement: KCNJ6 is on the minus strand). VCF-style: chr21-37715018-C-T. GRCh37 (hg19) VCF-style: chr21-39087321-C-T.
Other names: short protein forms D47N.
Identifiers: ClinVar variation 1308084 (VCV001308084.2), dbSNP rs2123452116, ClinGen allele CA409969500.